The following is an entry in ClinVar:

NC_000013.11:g.76992005A>C

Gene: CLN5 (CLN5 lysosomal BMP synthase; plus strand). Cytogenetic location: 13q22.3.
Variant type: single nucleotide variant.
Molecular consequence: missense variant (on NM_006493.2).
Genome position: GRCh38 VCF-style: chr13-76992005-A-C. GRCh37 (hg19) VCF-style: chr13-77566140-A-C.
Other names: c.54A>C, p.Gln18His (NM_006493.2); short protein forms Q18H.
Identifiers: ClinVar variation 2849207 (VCV002849207.3), dbSNP rs767480061, ClinGen allele CA252175575.
Genomic context (GRCh38, chr13:76,992,005, plus strand): 5'-AGGTGTCATGCGCCGGAACCTGCGCTTGGGGCCAAGCTCTGGAGCTGACGCGCAGGGGCA[A>C]GGCGCCCCGCGTCCCGGACTGGCGGCTCCGCGCATGCTCCTCCCACCGGCGTCGCAGGCC-3'

ClinVar aggregate classification (germline): Uncertain significance (1 of 4 stars; one submission).

Conditions:
Neuronal ceroid lipofuscinosis. Also called: Neuronal Ceroid Lipofuscinoses. Identifiers: Orphanet 216, Orphanet 79263, MedGen C0027877, MONDO:0016295. Disease mechanism: loss of function.

Submission:

Labcorp Genetics (formerly Invitae), Labcorp
Classification: Uncertain significance for Neuronal ceroid lipofuscinosis. Last evaluated: 2023-04-10. Review status: criteria provided, single submitter. Criteria: Invitae Variant Classification Sherloc (09022015). Collection method: clinical testing. Allele origin: germline.
Comment: This sequence change replaces glutamine, which is neutral and polar, with histidine, which is basic and polar, at codon 18 of the CLN5 protein (p.Gln18His). In summary, the available evidence is currently insufficient to determine the role of this variant in disease. Therefore, it has been classified as a Variant of Uncertain Significance. An algorithm developed to predict the effect of missense changes on protein structure and function (PolyPhen-2) suggests that this variant is likely to be tolerated. This variant has not been reported in the literature in individuals affected with CLN5-related conditions. This variant is not present in population databases (gnomAD no frequency).